The following is an entry in ClinVar:

ClinVar aggregate classification (germline): Uncertain significance (1 of 4 stars; one submission).

Submission:

Ambry Genetics
Classification: Uncertain significance. Last evaluated: 2023-03-22. Review status: criteria provided, single submitter. Criteria: Ambry Variant Classification Scheme 2023. Collection method: clinical testing. Allele origin: germline.
Comment: The p.N1764H variant (also known as c.5290A>C), located in coding exon 16 of the POLQ gene, results from an A to C substitution at nucleotide position 5290. The asparagine at codon 1764 is replaced by histidine, an amino acid with similar properties. This amino acid position is conserved. In addition, this alteration is predicted to be tolerated by in silico analysis. Since supporting evidence is limited at this time, the clinical significance of this alteration remains unclear.

NM_199420.4(POLQ):c.5290A>C (p.Asn1764His)

Gene: POLQ (DNA polymerase theta; minus strand). Cytogenetic location: 3q13.33.
Variant type: single nucleotide variant.
Coding change: c.5290A>C on transcript NM_199420.4 (MANE Select); coding-DNA position 5290, A replaced by C.
Protein change: p.Asn1764His; replaces asparagine 1764 with histidine.
Molecular consequence: missense variant.
Genome position (GRCh38, 1-based): chr3:121,487,641, T>G on the plus strand (A>C on the coding strand, the complement: POLQ is on the minus strand). VCF-style: chr3-121487641-T-G. GRCh37 (hg19) VCF-style: chr3-121206488-T-G.
Other names: short protein forms N1764H.
Identifiers: ClinVar variation 2563772 (VCV002563772.2), dbSNP rs892240475, ClinGen allele CA354090668.